The following is an entry in ClinVar:

NM_000208.4(INSR):c.2754G>A (p.Pro918=)

Gene: INSR (insulin receptor; minus strand). Cytogenetic location: 19p13.2.
Variant type: single nucleotide variant.
Coding change: c.2754G>A on transcript NM_000208.4 (MANE Select); coding-DNA position 2754, G replaced by A.
Protein change: p.Pro918=; no amino-acid change (proline 918 retained).
Molecular consequence: synonymous variant.
Genome position (GRCh38, 1-based): chr19:7,132,246, C>T on the plus strand (G>A on the coding strand, the complement: INSR is on the minus strand). VCF-style: chr19-7132246-C-T. GRCh37 (hg19) VCF-style: chr19-7132257-C-T.
Other names: c.2754G>A (NM_000208.3); c.2718G>A, p.Pro906= (NM_001079817.3).
Identifiers: ClinVar variation 1555426 (VCV001555426.20), dbSNP rs148994508, ClinGen allele CA9135458.

ClinVar aggregate classification (germline): Likely benign. Review status: criteria provided, multiple submitters, no conflicts (2 of 4 stars). 3 submissions from 3 submitters: Likely benign (2). 1 of the submissions does not count toward it. Last evaluated 2025-05-01.

Conditions:
INSR-related disorder.

Allele frequency attached by ClinVar (database versions not stated): ExAC 0.00005; gnomAD exomes 0.00005 and 0.00008; gnomAD 0.00007 and 0.00008; ESP Exome Variant Server 0.00008; TOPMed 0.00010.
gnomAD v4.1: 95 of 1,614,200 alleles (0.0059%); highest among the groups gnomAD compares: Middle Eastern, 0.13%; no homozygotes.

Submissions (3):

CeGaT Center for Human Genetics Tuebingen
Classification: Likely benign. Last evaluated: 2025-05-01. Review status: criteria provided, single submitter. Criteria: CeGaT Center For Human Genetics Tuebingen Variant Classification Criteria Version 2. Collection method: clinical testing. Allele origin: germline. Affected: yes. Observed: 1 variant allele.
Comment: INSR: BP4, BP7

Labcorp Genetics (formerly Invitae), Labcorp
Classification: Likely benign. Last evaluated: 2022-09-22. Review status: criteria provided, single submitter. Criteria: Invitae Variant Classification Sherloc (09022015). Collection method: clinical testing. Allele origin: germline.

PreventionGenetics, part of Exact Sciences
Classification: Likely benign for INSR-related condition. Last evaluated: 2023-01-11. Review status: no assertion criteria provided. Collection method: clinical testing. Allele origin: germline. Not counted in ClinVar's aggregate classification.
Comment: This variant is classified as likely benign based on ACMG/AMP sequence variant interpretation guidelines (Richards et al. 2015 PMID: 25741868, with internal and published modifications).